The following is an entry in ClinVar:

ClinVar aggregate classification (germline): Pathogenic (1 of 4 stars; one submission).

Submission:

Labcorp Genetics (formerly Invitae), Labcorp
Classification: Pathogenic. Last evaluated: 2023-11-18. Review status: criteria provided, single submitter. Criteria: Invitae Variant Classification Sherloc (09022015). Collection method: clinical testing. Allele origin: germline.
Comment: This variant is a gross deletion of the genomic region encompassing exon(s) 1-6 of the GPR143 gene, which includes the initiator codon. This deletion extends beyond the assayed region for this gene and therefore may encompass additional genes. It is expected to result in an absent or disrupted protein product. Loss-of-function variants in GPR143 are known to be pathogenic (PMID: 15965158, 18978956, 19390656, 21541274, 26160353, 28211458). This variant has not been reported in the literature in individuals affected with GPR143-related conditions. For these reasons, this variant has been classified as Pathogenic.

Literature cited by the submitters: PubMed 15965158; PubMed 18978956; PubMed 19390656; PubMed 21541274; PubMed 26160353; PubMed 28211458.

NC_000023.10:g.(?_9711585)_(9733857_?)del

Gene: GPR143 (G protein-coupled receptor 143; minus strand). Cytogenetic location: Xp22.2.
Variant type: Deletion.
Identifiers: ClinVar variation 1460385 (VCV001460385.4).